The following is an entry in ClinVar:

NM_000135.4(FANCA):c.1932C>A (p.Asn644Lys)

Gene: FANCA (FA complementation group A; minus strand). Cytogenetic location: 16q24.3.
Variant type: single nucleotide variant.
Coding change: c.1932C>A on transcript NM_000135.4 (MANE Select); coding-DNA position 1932, C replaced by A.
Protein change: p.Asn644Lys; replaces asparagine 644 with lysine.
Molecular consequence: missense variant.
Genome position (GRCh38, 1-based): chr16:89,773,353, G>T on the plus strand (C>A on the coding strand, the complement: FANCA is on the minus strand). VCF-style: chr16-89773353-G-T. GRCh37 (hg19) VCF-style: chr16-89839761-G-T.
Other names: c.1932C>A, p.Asn644Lys (NM_001286167.3); short protein forms N644K.
Identifiers: ClinVar variation 5036357 (VCV005036357.1).

ClinVar aggregate classification (germline): Uncertain significance (1 of 4 stars; one submission).

Conditions:
Inborn genetic diseases. Identifiers: MedGen C0950123, MeSH D030342.

gnomAD v4.1: 1 of 1,551,578 alleles (0.000064%); highest among the groups gnomAD compares: South Asian, 0.0012%; no homozygotes.

Submission:

Ambry Genetics
Classification: Uncertain significance for Inborn genetic diseases. Last evaluated: 2026-07-16. Review status: criteria provided, single submitter. Criteria: Ambry Variant Classification Scheme 2023. Collection method: clinical testing. Allele origin: germline.
Comment: The p.N644K variant (also known as c.1932C>A), located in coding exon 22 of the FANCA gene, results from a C to A substitution at nucleotide position 1932. The asparagine at codon 644 is replaced by lysine, an amino acid with similar properties. This amino acid position is conserved. In addition, this alteration is predicted to be tolerated by in silico analysis. Based on the available evidence, the clinical significance of this variant remains unclear.